The following is an entry in ClinVar:

ClinVar aggregate classification (germline): Uncertain significance (1 of 4 stars; one submission).

Conditions:
MEGF10-related myopathy (CMYO10A). Also called: Congenital myopathy 10A, severe variant. Identifiers: Orphanet 439212, MedGen C3280679, MONDO:0013731, OMIM 614399.

Allele frequency attached by ClinVar (database versions not stated): gnomAD exomes below 0.00001; ExAC 0.00002; TOPMed 0.00003; gnomAD 0.00005.
gnomAD v4.1: 8 of 1,614,012 alleles (0.0005%); highest among the groups gnomAD compares: African/African-American, 0.011%; no homozygotes.

Submission:

Labcorp Genetics (formerly Invitae), Labcorp
Classification: Uncertain significance for MEGF10-related myopathy. Last evaluated: 2023-12-31. Review status: criteria provided, single submitter. Criteria: Invitae Variant Classification Sherloc (09022015). Collection method: clinical testing. Allele origin: germline.
Comment: This sequence change replaces asparagine, which is neutral and polar, with aspartic acid, which is acidic and polar, at codon 580 of the MEGF10 protein (p.Asn580Asp). This variant is present in population databases (rs747121505, gnomAD 0.01%). This variant has not been reported in the literature in individuals affected with MEGF10-related conditions. Advanced modeling of protein sequence and biophysical properties (such as structural, functional, and spatial information, amino acid conservation, physicochemical variation, residue mobility, and thermodynamic stability) performed at Invitae indicates that this missense variant is not expected to disrupt MEGF10 protein function with a negative predictive value of 80%. In summary, the available evidence is currently insufficient to determine the role of this variant in disease. Therefore, it has been classified as a Variant of Uncertain Significance.

NM_001256545.2(MEGF10):c.1738A>G (p.Asn580Asp)

Gene: MEGF10 (multiple EGF like domains 10; plus strand). Cytogenetic location: 5q23.2.
Variant type: single nucleotide variant.
Coding change: c.1738A>G on transcript NM_001256545.2 (MANE Select); coding-DNA position 1738, A replaced by G.
Protein change: p.Asn580Asp; replaces asparagine 580 with aspartic acid.
Molecular consequence: missense variant.
Genome position (GRCh38, 1-based): chr5:127,433,407, A>G. VCF-style: chr5-127433407-A-G. GRCh37 (hg19) VCF-style: chr5-126769099-A-G.
Other names: c.1738A>G, p.Asn580Asp (NM_032446.3); short protein forms N580D.
Identifiers: ClinVar variation 2765168 (VCV002765168.1), dbSNP rs747121505, ClinGen allele CA3391710.